The following is an entry in ClinVar:

ClinVar aggregate classification (germline): Uncertain significance. Review status: criteria provided, multiple submitters, no conflicts (2 of 4 stars). 2 submissions from 2 submitters: Uncertain significance (2). Last evaluated 2025-02-05.

Conditions:
Long QT syndrome (LQTS). Identifiers: MedGen C0023976, MeSH D008133, MONDO:0002442. Disease mechanism: loss of function. Inheritance: Various modes of inheritance.

Submissions (2):

Labcorp Genetics (formerly Invitae), Labcorp
Classification: Uncertain significance for Long QT syndrome. Last evaluated: 2025-02-05. Review status: criteria provided, single submitter. Criteria: Invitae Variant Classification Sherloc (09022015). Collection method: clinical testing. Allele origin: germline.
Comment: This sequence change replaces aspartic acid, which is acidic and polar, with glutamic acid, which is acidic and polar, at codon 459 of the KCNQ1 protein (p.Asp459Glu). This variant is not present in population databases (gnomAD no frequency). This missense change has been observed in individual(s) with epilepsy (PMID: 31696929). ClinVar contains an entry for this variant (Variation ID: 1450584). Invitae Evidence Modeling of protein sequence and biophysical properties (such as structural, functional, and spatial information, amino acid conservation, physicochemical variation, residue mobility, and thermodynamic stability) indicates that this missense variant is not expected to disrupt KCNQ1 protein function with a negative predictive value of 95%. In summary, the available evidence is currently insufficient to determine the role of this variant in disease. Therefore, it has been classified as a Variant of Uncertain Significance.

All of Us Research Program, National Institutes of Health
Classification: Uncertain significance for Long QT syndrome. Last evaluated: 2024-05-14. Review status: criteria provided, single submitter. Criteria: ACMG Guidelines, 2015. Collection method: clinical testing. Allele origin: germline. Inheritance: Autosomal dominant inheritance. Observed: 1 variant allele, 1 heterozygote.
Comment: This missense variant replaces aspartic acid with glutamic acid at codon 459 of the KCNQ1 protein. Computational prediction is inconclusive regarding the impact of this variant on protein structure and function (internally defined REVEL score threshold 0.5 < inconclusive < 0.7, PMID: 27666373). To our knowledge, functional studies have not been reported for this variant. This variant has not been reported in individuals affected with KCNQ1-related disorders in the literature. This variant has not been identified in the general population by the Genome Aggregation Database (gnomAD). A different KCNQ1 variant causing the same missense change, c.1377C>A p.Asp459Glu, has been reported in an individual suspected of having epilepsy (PMID: 31696929). The available evidence is insufficient to determine the role of this variant in disease conclusively. Therefore, this variant is classified as a Variant of Uncertain Significance.

This study involves interpretation of variants in research participants for the purpose of population health screening. Participant phenotype was not available at the time of variant classification. Additional details can be found in publication PMID: 35346344, PMCID: PMC8962531

Literature cited by the submitters: PubMed 31696929 (cited by Labcorp Genetics (formerly Invitae), Labcorp and All of Us Research Program, National Institutes of Health).

NM_000218.3(KCNQ1):c.1377C>G (p.Asp459Glu)

Gene: KCNQ1 (potassium voltage-gated channel subfamily Q member 1; plus strand). Cytogenetic location: 11p15.5.
Variant type: single nucleotide variant.
Coding change: c.1377C>G on transcript NM_000218.3 (MANE Select); coding-DNA position 1377, C replaced by G.
Protein change: p.Asp459Glu; replaces aspartic acid 459 with glutamic acid.
Molecular consequence: missense variant.
Genome position (GRCh38, 1-based): chr11:2,588,838, C>G. VCF-style: chr11-2588838-C-G. GRCh37 (hg19) VCF-style: chr11-2610068-C-G.
Other names: c.1281C>G, p.Asp427Glu (NM_001406836.1); c.1107C>G, p.Asp369Glu (NM_001406837.1); c.837C>G, p.Asp279Glu (NM_001406838.1); c.996C>G, p.Asp332Glu (NM_181798.2); short protein forms D459E, D332E, D427E, D279E, D369E.
Identifiers: ClinVar variation 1450584 (VCV001450584.10), dbSNP rs200418488, ClinGen allele CA379135169.